The following is an entry in ClinVar:

NM_206933.4(USH2A):c.3874G>A (p.Glu1292Lys)

Genes: USH2A (usherin; minus strand), USH2A-AS1 (USH2A antisense RNA 1; plus strand). Cytogenetic location: 1q41.
Variant type: single nucleotide variant.
Coding change: c.3874G>A on transcript NM_206933.4 (MANE Select); coding-DNA position 3874, G replaced by A.
Protein change: p.Glu1292Lys; replaces glutamic acid 1292 with lysine.
Molecular consequence: missense variant.
Genome position (GRCh38, 1-based): chr1:216,198,522, C>T on the plus strand (G>A on the coding strand, the complement: USH2A is on the minus strand). VCF-style: chr1-216198522-C-T. GRCh37 (hg19) VCF-style: chr1-216371864-C-T.
Other names: c.3874G>A, p.Glu1292Lys (NM_007123.6); c.3874G>A (NM_206933.2); short protein forms E1292K.
Identifiers: ClinVar variation 2084700 (VCV002084700.4), dbSNP rs765629396, ClinGen allele CA1395884.

ClinVar aggregate classification (germline): Uncertain significance. Review status: criteria provided, multiple submitters, no conflicts (2 of 4 stars). 2 submissions from 2 submitters: Uncertain significance (2). Last evaluated 2024-05-06.

Allele frequency attached by ClinVar (database versions not stated): ExAC 0.00001; gnomAD 0.00001; TOPMed 0.00001.
gnomAD v4.1: 31 of 1,613,820 alleles (0.0019%); highest among the groups gnomAD compares: Non-Finnish European, 0.0026%; no homozygotes.

Submissions (2):

GeneDx
Classification: Uncertain significance. Last evaluated: 2024-05-06. Review status: criteria provided, single submitter. Criteria: GeneDx Variant Classification Process June 2021. Collection method: clinical testing. Allele origin: germline. Affected: yes.
Comment: Not observed at significant frequency in large population cohorts (gnomAD); In silico analysis indicates that this missense variant does not alter protein structure/function; Has not been previously published as pathogenic or benign to our knowledge

Labcorp Genetics (formerly Invitae), Labcorp
Classification: Uncertain significance. Last evaluated: 2024-02-26. Review status: criteria provided, single submitter. Criteria: Invitae Variant Classification Sherloc (09022015). Collection method: clinical testing. Allele origin: germline.
Comment: This sequence change replaces glutamic acid, which is acidic and polar, with lysine, which is basic and polar, at codon 1292 of the USH2A protein (p.Glu1292Lys). This variant is present in population databases (rs765629396, gnomAD 0.002%). This variant has not been reported in the literature in individuals affected with USH2A-related conditions. ClinVar contains an entry for this variant (Variation ID: 2084700). Advanced modeling of protein sequence and biophysical properties (such as structural, functional, and spatial information, amino acid conservation, physicochemical variation, residue mobility, and thermodynamic stability) performed at Invitae indicates that this missense variant is not expected to disrupt USH2A protein function with a negative predictive value of 95%. In summary, the available evidence is currently insufficient to determine the role of this variant in disease. Therefore, it has been classified as a Variant of Uncertain Significance.